The following is an entry in ClinVar:

NM_001127222.2(CACNA1A):c.6610G>A (p.Asp2204Asn)

Gene: CACNA1A (calcium voltage-gated channel subunit alpha1 A; minus strand). Cytogenetic location: 19p13.13.
Variant type: single nucleotide variant.
Coding change: c.6610G>A on transcript NM_001127222.2 (MANE Select); coding-DNA position 6610, G replaced by A.
Protein change: p.Asp2204Asn; replaces aspartic acid 2204 with asparagine.
Molecular consequence: missense variant.
Genome position (GRCh38, 1-based): chr19:13,208,926, C>T on the plus strand (G>A on the coding strand, the complement: CACNA1A is on the minus strand). VCF-style: chr19-13208926-C-T. GRCh37 (hg19) VCF-style: chr19-13319740-C-T.
Other names: c.6628G>A, p.Asp2210Asn (NM_000068.4, NM_023035.3); c.6613G>A, p.Asp2205Asn (NM_001127221.2); c.6619G>A, p.Asp2207Asn (NM_001174080.2); short protein forms D2205N, D2207N, D2204N, D2210N.
Identifiers: ClinVar variation 450295 (VCV000450295.14), dbSNP rs747673128, ClinGen allele CA9239323.
Genomic context (GRCh38, chr19:13,208,926, plus strand): 5'-CGGGGGGCGGGGGATGGTGGTGGTGGTGGTGGTGGTGGTGGTGCTGTCGATGCTTCCGAT[C>T]CTTGGGCCGGCCCCGCTCCTGGTCCCGCTCCTTCGACGGCAGGTCCCCGGATTGGGTGGT-3'
Protein context (NP_001120694.1, residues 2194-2214): ERDQERGRPK[Asp2204Asn]RKHRQHHHHH

ClinVar aggregate classification (germline): Uncertain significance. Review status: criteria provided, multiple submitters, no conflicts (2 of 4 stars). 4 submissions from 4 submitters: Uncertain significance (4). Last evaluated 2025-07-23.

Conditions:
Episodic ataxia type 2 (EA2). Also called: EPISODIC ATAXIA, NYSTAGMUS-ASSOCIATED; ACETAZOLAMIDE-RESPONSIVE HEREDITARY PAROXYSMAL CEREBELLAR ATAXIA; ATAXIA, EPISODIC, WITH NYSTAGMUS; ATAXIA, FAMILIAL PAROXYSMAL; CEREBELLAR ATAXIA, PAROXYSMAL, ACETAZOLAMIDE-RESPONSIVE; CEREBELLOPATHY, HEREDITARY PAROXYSMAL. Identifiers: Orphanet 97, MedGen C1720416, MONDO:0007163, OMIM 108500.
Developmental and epileptic encephalopathy, 42 (DEE42A). Also called: Epileptic encephalopathy, early infantile, 42; DEVELOPMENTAL AND EPILEPTIC ENCEPHALOPATHY 42A; EPILEPTIC ENCEPHALOPATHY, EARLY INFANTILE, 42A. Identifiers: MedGen C4310716, MONDO:0014917, OMIM 617106.
Inborn genetic diseases. Identifiers: MedGen C0950123, MeSH D030342.

Allele frequency attached by ClinVar (database versions not stated): gnomAD exomes 0.00001; ExAC 0.00006; TOPMed 0.00001; gnomAD 0.00002.
gnomAD v4.1: 16 of 1,537,224 alleles (0.001%); highest among the groups gnomAD compares: South Asian, 0.0024%; no homozygotes.

Submissions (4):

Labcorp Genetics (formerly Invitae), Labcorp
Classification: Uncertain significance for Developmental and epileptic encephalopathy, 42; Episodic ataxia type 2. Last evaluated: 2025-07-23. Review status: criteria provided, single submitter. Criteria: Invitae Variant Classification Sherloc (09022015). Collection method: clinical testing. Allele origin: germline.
Comment: This sequence change replaces aspartic acid, which is acidic and polar, with asparagine, which is neutral and polar, at codon 2205 of the CACNA1A protein (p.Asp2205Asn). This variant is present in population databases (rs747673128, gnomAD 0.002%). This variant has not been reported in the literature in individuals affected with CACNA1A-related conditions. ClinVar contains an entry for this variant (Variation ID: 450295). Invitae Evidence Modeling of protein sequence and biophysical properties (such as structural, functional, and spatial information, amino acid conservation, physicochemical variation, residue mobility, and thermodynamic stability) has been performed for this missense variant. However, the output from this modeling did not meet the statistical confidence thresholds required to predict the impact of this variant on CACNA1A protein function. In summary, the available evidence is currently insufficient to determine the role of this variant in disease. Therefore, it has been classified as a Variant of Uncertain Significance.

GeneDx
Classification: Uncertain significance. Last evaluated: 2024-07-17. Review status: criteria provided, single submitter. Criteria: GeneDx Variant Classification Process June 2021. Collection method: clinical testing. Allele origin: germline. Affected: yes.
Comment: Not observed at significant frequency in large population cohorts (gnomAD); In silico analysis supports that this missense variant has a deleterious effect on protein structure/function; Has not been previously published as pathogenic or benign to our knowledge

Ambry Genetics
Classification: Uncertain significance for Inborn genetic diseases. Last evaluated: 2023-05-15. Review status: criteria provided, single submitter. Criteria: Ambry Variant Classification Scheme 2023. Collection method: clinical testing. Allele origin: germline.

Blueprint Genetics
Classification: Uncertain significance. Last evaluated: 2022-06-07. Review status: criteria provided, single submitter. Criteria: ACMG Guidelines, 2015. Collection method: clinical testing. Allele origin: germline.